The following is an entry in ClinVar:

NM_001330078.2(NRXN1):c.3841A>T (p.Thr1281Ser)

Gene: NRXN1 (neurexin 1; minus strand). Cytogenetic location: 2p16.3.
Variant type: single nucleotide variant.
Coding change: c.3841A>T on transcript NM_001330078.2 (MANE Select); coding-DNA position 3841, A replaced by T.
Protein change: p.Thr1281Ser; replaces threonine 1281 with serine.
Molecular consequence: missense variant.
Genome position (GRCh38, 1-based): chr2:50,053,558, T>A on the plus strand (A>T on the coding strand, the complement: NRXN1 is on the minus strand). VCF-style: chr2-50053558-T-A. GRCh37 (hg19) VCF-style: chr2-50280696-T-A.
Other names: c.3961A>T (NM_001135659.1); c.3961A>T, p.Thr1321Ser (NM_001135659.3); c.3817A>T, p.Thr1273Ser (NM_001330077.2, NM_001330082.2); c.3685A>T, p.Thr1229Ser (NM_001330083.2); c.3775A>T, p.Thr1259Ser (NM_001330084.2); c.3814A>T, p.Thr1272Ser (NM_001330085.2); c.3841A>T, p.Thr1281Ser (NM_001330086.2); c.3640A>T, p.Thr1214Ser (NM_001330087.2, NM_001330096.2); and 7 more; short protein forms T1259S, T1273S, T1277S, T1321S, T1224S, T1251S, T1272S, T1280S.
Identifiers: ClinVar variation 1047285 (VCV001047285.10), dbSNP rs1174087791, ClinGen allele CA346819935.
Genomic context (GRCh38, chr2:50,053,558, plus strand): 5'-ACAGCCCAGAGAGCTGGCCCTGGAAGGGCTGGCCCTGCTCTTTCCCGCCAATTATTATGG[T>A]TGCTTGGCTATTGAAGATTGTGAGCTGACGCCCTGTAAAAATAATATTACATACATGCAA-3'
Protein context (NP_001317007.1, residues 1271-1291): RQLTIFNSQA[Thr1281Ser]IIIGGKEQGQ

ClinVar aggregate classification (germline): Uncertain significance. Review status: criteria provided, multiple submitters, no conflicts (2 of 4 stars). 2 submissions from 2 submitters: Uncertain significance (2). Last evaluated 2025-07-02.

Conditions:
Pitt-Hopkins-like syndrome 2 (PTHSL2). Identifiers: Orphanet 221150, Orphanet 600663, MedGen C3280479, MONDO:0013690, OMIM 614325.
Inborn genetic diseases. Identifiers: MedGen C0950123, MeSH D030342.

Allele frequency attached by ClinVar (database versions not stated): TOPMed 0.00002.
gnomAD v4.1: 16 of 1,614,018 alleles (0.00099%); highest among the groups gnomAD compares: Non-Finnish European, 0.0014%; no homozygotes.

Submissions (2):

Ambry Genetics
Classification: Uncertain significance for Inborn genetic diseases. Last evaluated: 2025-07-02. Review status: criteria provided, single submitter. Criteria: Ambry Variant Classification Scheme 2023. Collection method: clinical testing. Allele origin: germline.

Labcorp Genetics (formerly Invitae), Labcorp
Classification: Uncertain significance for Pitt-Hopkins-like syndrome 2. Last evaluated: 2025-02-26. Review status: criteria provided, single submitter. Criteria: Invitae Variant Classification Sherloc (09022015). Collection method: clinical testing. Allele origin: germline.
Comment: This sequence change replaces threonine, which is neutral and polar, with serine, which is neutral and polar, at codon 1321 of the NRXN1 protein (p.Thr1321Ser). This variant is not present in population databases (gnomAD no frequency). This variant has not been reported in the literature in individuals affected with NRXN1-related conditions. ClinVar contains an entry for this variant (Variation ID: 1047285). Invitae Evidence Modeling of protein sequence and biophysical properties (such as structural, functional, and spatial information, amino acid conservation, physicochemical variation, residue mobility, and thermodynamic stability) indicates that this missense variant is not expected to disrupt NRXN1 protein function with a negative predictive value of 80%. In summary, the available evidence is currently insufficient to determine the role of this variant in disease. Therefore, it has been classified as a Variant of Uncertain Significance.